The following is an entry in ClinVar:

ClinVar aggregate classification (germline): Uncertain significance (1 of 4 stars; one submission).

Conditions:
Evans syndrome, immunodeficiency, and premature immunosenescence associated with tripeptidyl-peptidase II deficiency. Identifiers: MedGen CN231723. Disease mechanism: loss of function.

gnomAD v4.1: 6 of 1,613,332 alleles (0.00037%); highest among the groups gnomAD compares: Non-Finnish European, 0.00051%; no homozygotes.

Submission:

Labcorp Genetics (formerly Invitae), Labcorp
Classification: Uncertain significance for Evans syndrome, immunodeficiency, and premature immunosenescence associated with tripeptidyl-peptidase II deficiency. Last evaluated: 2024-07-25. Review status: criteria provided, single submitter. Criteria: Invitae Variant Classification Sherloc (09022015). Collection method: clinical testing. Allele origin: germline.
Comment: This sequence change replaces alanine, which is neutral and non-polar, with threonine, which is neutral and polar, at codon 700 of the TPP2 protein (p.Ala700Thr). This variant is not present in population databases (gnomAD no frequency). This variant has not been reported in the literature in individuals affected with TPP2-related conditions. An algorithm developed to predict the effect of missense changes on protein structure and function (PolyPhen-2) suggests that this variant is likely to be disruptive. In summary, the available evidence is currently insufficient to determine the role of this variant in disease. Therefore, it has been classified as a Variant of Uncertain Significance.

NM_001330588.2(TPP2):c.2098G>A (p.Ala700Thr)

Gene: TPP2 (tripeptidyl peptidase 2; plus strand). Cytogenetic location: 13q33.1.
Variant type: single nucleotide variant.
Coding change: c.2098G>A on transcript NM_001330588.2 (MANE Select); coding-DNA position 2098, G replaced by A.
Protein change: p.Ala700Thr; replaces alanine 700 with threonine.
Molecular consequence: missense variant. On other transcripts: non-coding transcript variant (1).
Genome position (GRCh38, 1-based): chr13:102,643,299, G>A. VCF-style: chr13-102643299-G-A. GRCh37 (hg19) VCF-style: chr13-103295649-G-A.
Other names: c.2098G>A, p.Ala700Thr (NM_001367947.1, NM_003291.4); short protein forms A700T.
Identifiers: ClinVar variation 3674721 (VCV003674721.2).